The following is an entry in ClinVar:

ClinVar aggregate classification (germline): Uncertain significance. Review status: criteria provided, multiple submitters, no conflicts (2 of 4 stars). 3 submissions from 3 submitters: Uncertain significance (3). Last evaluated 2025-08-18.

Conditions:
Oligodontia-cancer predisposition syndrome. Also called: TOOTH AGENESIS-COLORECTAL CANCER SYNDROME. Identifiers: Orphanet 300576, MedGen C1837750, MONDO:0012075, OMIM 608615. Disease mechanism: loss of function.
Colorectal cancer. Also called: Malignant Colorectal Neoplasm; Colorectal cancer, somatic. Identifiers: MedGen C0346629, MONDO:0005575, OMIM 114500.

Allele frequency attached by ClinVar (database versions not stated): TOPMed 0.00001; gnomAD 0.00002.

Submissions (3):

Labcorp Genetics (formerly Invitae), Labcorp
Classification: Uncertain significance for Oligodontia-cancer predisposition syndrome. Last evaluated: 2025-08-18. Review status: criteria provided, single submitter. Criteria: Invitae Variant Classification Sherloc (09022015). Collection method: clinical testing. Allele origin: germline.
Comment: This sequence change replaces proline, which is neutral and non-polar, with serine, which is neutral and polar, at codon 462 of the AXIN2 protein (p.Pro462Ser). This variant is present in population databases (no rsID available, gnomAD 0.001%). This variant has not been reported in the literature in individuals affected with AXIN2-related conditions. ClinVar contains an entry for this variant (Variation ID: 464542). Invitae Evidence Modeling of protein sequence and biophysical properties (such as structural, functional, and spatial information, amino acid conservation, physicochemical variation, residue mobility, and thermodynamic stability) indicates that this missense variant is expected to disrupt AXIN2 protein function with a positive predictive value of 80%. In summary, the available evidence is currently insufficient to determine the role of this variant in disease. Therefore, it has been classified as a Variant of Uncertain Significance.

Baylor Genetics
Classification: Uncertain significance for Colorectal cancer. Last evaluated: 2023-07-08. Review status: criteria provided, single submitter. Criteria: ACMG Guidelines, 2015. Collection method: clinical testing. Allele origin: unknown.

Women's Health and Genetics/Laboratory Corporation of America, LabCorp
Classification: Uncertain significance. Last evaluated: 2018-05-18. Review status: criteria provided, single submitter. Criteria: LabCorp Variant Classification Summary - May 2015. Collection method: clinical testing. Allele origin: germline.
Comment: Variant summary: AXIN2 c.1384C>T (p.Pro462Ser) results in a non-conservative amino acid change in the encoded protein sequence. Five of five in-silico tools predict a damaging effect of the variant on protein function. The variant allele was found at a frequency of 3.2e-05 in 30846 control chromosomes. The available data on variant occurrences in the general population are insufficient to allow any conclusion about variant significance. To our knowledge, no occurrence of c.1384C>T in individuals affected with Colorectal Cancer and no experimental evidence demonstrating its impact on protein function have been reported. One clinical diagnostic laboratory has submitted clinical-significance assessments for this variant to ClinVar after 2014 without evidence for independent evaluation, and classified the variant as uncertain significance. Based on the evidence outlined above, the variant was classified as uncertain significance.

NM_004655.4(AXIN2):c.1384C>T (p.Pro462Ser)

Gene: AXIN2 (axin 2; minus strand). Cytogenetic location: 17q24.1.
Variant type: single nucleotide variant.
Coding change: c.1384C>T on transcript NM_004655.4 (MANE Select); coding-DNA position 1384, C replaced by T.
Protein change: p.Pro462Ser; replaces proline 462 with serine.
Molecular consequence: missense variant.
Genome position (GRCh38, 1-based): chr17:65,537,652, G>A on the plus strand (C>T on the coding strand, the complement: AXIN2 is on the minus strand). VCF-style: chr17-65537652-G-A. GRCh37 (hg19) VCF-style: chr17-63533770-G-A.
Other names: c.1384C>T, p.Pro462Ser (NM_001363813.1); c.1384C>T (LRG_296t1); short protein forms P462S.
Identifiers: ClinVar variation 464542 (VCV000464542.11), dbSNP rs1060502156, ClinGen allele CA400677605.